The following is an entry in ClinVar:

NM_000256.3(MYBPC3):c.3337T>A (p.Phe1113Ile)

Gene: MYBPC3 (myosin binding protein C3; minus strand). Cytogenetic location: 11p11.2.
Variant type: single nucleotide variant.
Coding change: c.3337T>A on transcript NM_000256.3 (MANE Select); coding-DNA position 3337, T replaced by A.
Protein change: p.Phe1113Ile; replaces phenylalanine 1113 with isoleucine.
Molecular consequence: missense variant.
Genome position (GRCh38, 1-based): chr11:47,332,967, A>T on the plus strand (T>A on the coding strand, the complement: MYBPC3 is on the minus strand). VCF-style: chr11-47332967-A-T. GRCh37 (hg19) VCF-style: chr11-47354518-A-T.
Other names: short protein forms F1113I.
Identifiers: ClinVar variation 5037263 (VCV005037263.1).

ClinVar aggregate classification (germline): Uncertain significance (1 of 4 stars; one submission).

Submission:

GeneDx
Classification: Uncertain significance. Last evaluated: 2026-04-13. Review status: criteria provided, single submitter. Criteria: GeneDx Variant Classification Process June 2021. Collection method: clinical testing. Allele origin: germline.
Comment: Not observed at significant frequency in large population cohorts (gnomAD); In silico analysis supports that this missense variant has a deleterious effect on protein structure/function; This variant is associated with the following publications: (PMID: 15519027)